The following is an entry in ClinVar:

NM_003242.6(TGFBR2):c.1324T>A (p.Phe442Ile)

Gene: TGFBR2 (transforming growth factor beta receptor 2; plus strand). Cytogenetic location: 3p24.1.
Variant type: single nucleotide variant.
Coding change: c.1324T>A on transcript NM_003242.6 (MANE Select); coding-DNA position 1324, T replaced by A.
Protein change: p.Phe442Ile; replaces phenylalanine 442 with isoleucine.
Molecular consequence: missense variant. On other transcripts: intron variant (1).
Genome position (GRCh38, 1-based): chr3:30,674,174, T>A. VCF-style: chr3-30674174-T-A. GRCh37 (hg19) VCF-style: chr3-30715666-T-A.
Other names: c.1399T>A, p.Phe467Ile (NM_001024847.3); c.1507T>A, p.Phe503Ile (NM_001407126.1); c.1432T>A, p.Phe478Ile (NM_001407127.1); c.1351T>A, p.Phe451Ile (NM_001407128.1); c.1327T>A, p.Phe443Ile (NM_001407129.1); c.1324T>A, p.Phe442Ile (NM_001407130.1); c.1219T>A, p.Phe407Ile (NM_001407132.1, NM_001407133.1, NM_001407134.1 and 2 more transcripts); c.1039T>A, p.Phe347Ile (NM_001407137.1); and 2 more; short protein forms F407I, F443I, F347I, F503I, F322I, F442I, F451I, F467I.
Identifiers: ClinVar variation 3635621 (VCV003635621.2).
Genomic context (GRCh38, chr3:30,674,174, plus strand): 5'-GCAAGATACATGGCTCCAGAAGTCCTAGAATCCAGGATGAATTTGGAGAATGTTGAGTCC[T>A]TCAAGCAGACCGATGTCTACTCCATGGCTCTGGTGCTCTGGGAAATGACATCTCGCTGTA-3'
Protein context (NP_003233.4, residues 432-452): SRMNLENVES[Phe442Ile]KQTDVYSMAL

ClinVar aggregate classification (germline): Likely pathogenic (1 of 4 stars; one submission).

Conditions:
Familial thoracic aortic aneurysm and aortic dissection (TAAD). Also called: Thoracic aortic aneurysms and dissections. Identifiers: Orphanet 91387, MedGen C4707243, MONDO:0019625.

Submission:

Labcorp Genetics (formerly Invitae), Labcorp
Classification: Likely pathogenic for Familial thoracic aortic aneurysm and aortic dissection. Last evaluated: 2024-09-17. Review status: criteria provided, single submitter. Criteria: Invitae Variant Classification Sherloc (09022015). Collection method: clinical testing. Allele origin: germline.
Comment: This sequence change replaces phenylalanine, which is neutral and non-polar, with isoleucine, which is neutral and non-polar, at codon 442 of the TGFBR2 protein (p.Phe442Ile). This variant is not present in population databases (gnomAD no frequency). This missense change has been observed in individual(s) with aortic dissection (internal data). Invitae Evidence Modeling of protein sequence and biophysical properties (such as structural, functional, and spatial information, amino acid conservation, physicochemical variation, residue mobility, and thermodynamic stability) indicates that this missense variant is expected to disrupt TGFBR2 protein function with a positive predictive value of 95%. This variant disrupts the p.Phe442 amino acid residue in TGFBR2. Other variant(s) that disrupt this residue have been determined to be pathogenic (PMID: 20956634; internal data). This suggests that this residue is clinically significant, and that variants that disrupt this residue are likely to be disease-causing. In summary, the currently available evidence indicates that the variant is pathogenic, but additional data are needed to prove that conclusively. Therefore, this variant has been classified as Likely Pathogenic.

Literature cited by the submitters: PubMed 20956634.